The following is an entry in ClinVar:

ClinVar aggregate classification (germline): Uncertain significance. Review status: criteria provided, multiple submitters, no conflicts (2 of 4 stars). 2 submissions from 2 submitters: Uncertain significance (2). Last evaluated 2025-04-21.

Allele frequency attached by ClinVar (database versions not stated): gnomAD exomes below 0.00001 and 0.00001; gnomAD 0.00001; TOPMed 0.00001.
gnomAD v4.1: 13 of 1,613,374 alleles (0.00081%); highest among the groups gnomAD compares: Middle Eastern, 0.082%; no homozygotes.

Submissions (2):

Labcorp Genetics (formerly Invitae), Labcorp
Classification: Uncertain significance. Last evaluated: 2025-04-21. Review status: criteria provided, single submitter. Criteria: Invitae Variant Classification Sherloc (09022015). Collection method: clinical testing. Allele origin: germline.
Comment: This sequence change falls in intron 49 of the ABCA4 gene. It does not directly change the encoded amino acid sequence of the ABCA4 protein. It affects a nucleotide within the consensus splice site. This variant is present in population databases (no rsID available, gnomAD 0.002%). This variant has not been reported in the literature in individuals affected with ABCA4-related conditions. ClinVar contains an entry for this variant (Variation ID: 857826). Variants that disrupt the consensus splice site are a relatively common cause of aberrant splicing (PMID: 17576681, 9536098). Algorithms developed to predict the effect of sequence changes on RNA splicing suggest that this variant is not likely to affect RNA splicing. In summary, the available evidence is currently insufficient to determine the role of this variant in disease. Therefore, it has been classified as a Variant of Uncertain Significance.

Blueprint Genetics
Classification: Uncertain significance. Last evaluated: 2023-04-05. Review status: criteria provided, single submitter. Criteria: ACMG Guidelines, 2015. Collection method: clinical testing. Allele origin: germline.

Literature cited by the submitters: PubMed 17576681 (cited by Labcorp Genetics (formerly Invitae), Labcorp); PubMed 9536098 (cited by Labcorp Genetics (formerly Invitae), Labcorp).

NM_000350.3(ABCA4):c.6816+6C>T

Gene: ABCA4 (ATP binding cassette subfamily A member 4; minus strand). Cytogenetic location: 1p22.1.
Variant type: single nucleotide variant.
Coding change: c.6816+6C>T on transcript NM_000350.3 (MANE Select); 6 bases into the intron after coding-DNA position 6816, C replaced by T.
Molecular consequence: intron variant.
Genome position (GRCh38, 1-based): chr1:93,996,103, G>A on the plus strand (C>T on the coding strand, the complement: ABCA4 is on the minus strand). VCF-style: chr1-93996103-G-A. GRCh37 (hg19) VCF-style: chr1-94461659-G-A.
Identifiers: ClinVar variation 857826 (VCV000857826.9), dbSNP rs942628802, ClinGen allele CA26827245.
Genomic context (GRCh38, chr1:93,996,103, plus strand): 5'-TGAACCAGCTGGGCTCTGAGCCAAGGAACTGCCTCAAGCTGTGGACTGCATAAGCAGCAG[G>A]GGTACCTGGGCTTGTCGACTGGCTCCAGCAGCTCGAGGGTGCAGAGGGAGGTCATGACTT-3'